The following is an entry in ClinVar:

NM_025233.7(COASY):c.1579C>T (p.Gln527Ter)

Gene: COASY (Coenzyme A synthase; plus strand). Cytogenetic location: 17q21.2.
Variant type: single nucleotide variant.
Coding change: c.1579C>T on transcript NM_025233.7 (MANE Select); coding-DNA position 1579, C replaced by T.
Protein change: p.Gln527Ter; replaces glutamine 527 with a stop codon.
Molecular consequence: nonsense.
Genome position (GRCh38, 1-based): chr17:42,565,752, C>T. VCF-style: chr17-42565752-C-T. GRCh37 (hg19) VCF-style: chr17-40717770-C-T.
Other names: c.1579C>T, p.Gln527Ter (NM_001042529.3); c.1666C>T, p.Gln556Ter (NM_001042532.4); short protein forms Q527*, Q556*.
Identifiers: ClinVar variation 2083704 (VCV002083704.4), dbSNP rs2093001133, ClinGen allele CA399599598.
Genomic context (GRCh38, chr17:42,565,752, plus strand): 5'-AGTGAAGCCGCGGCTCAAAGCCGGCTGCAGAGCCAGATGAGCGGGCAGCAGCTTGTGGAA[C>T]AGAGCCACGTGGTGCTCAGCACCTTGTGGGAGCCGCATATCACCCAACGCCAGGTTGGTG-3'

ClinVar aggregate classification (germline): Pathogenic (1 of 4 stars; one submission).

Conditions:
Neurodegeneration with brain iron accumulation 6 (NBIA6). Also called: COASY protein-associated neurodegeneration. Identifiers: Orphanet 397725, MedGen C4517377, MONDO:0014290, OMIM 615643.

Allele frequency attached by ClinVar (database versions not stated): gnomAD exomes below 0.00001; TOPMed below 0.00001.
gnomAD v4.1: 3 of 1,613,954 alleles (0.00019%); highest among the groups gnomAD compares: Admixed American, 0.0017%; no homozygotes.

Submission:

Labcorp Genetics (formerly Invitae), Labcorp
Classification: Pathogenic for Neurodegeneration with brain iron accumulation 6. Last evaluated: 2026-01-05. Review status: criteria provided, single submitter. Criteria: Invitae Variant Classification Sherloc (09022015). Collection method: clinical testing. Allele origin: germline.
Comment: This sequence change creates a premature translational stop signal (p.Gln527*) in the COASY gene. It is expected to result in an absent or disrupted protein product. Loss-of-function variants in COASY are known to be pathogenic (PMID: 24360804, 30089828). This variant is not present in population databases (gnomAD no frequency). This variant has not been reported in the literature in individuals affected with COASY-related conditions. ClinVar contains an entry for this variant (Variation ID: 2083704). For these reasons, this variant has been classified as Pathogenic.

Literature cited by the submitters: PubMed 24360804; PubMed 30089828.